The following is an entry in ClinVar:

NM_001673.5(ASNS):c.113A>G (p.Asn38Ser)

Genes: CZ1P-ASNS (CZ1P-ASNS readthrough; minus strand), ASNS (asparagine synthetase (glutamine-hydrolyzing); minus strand). Cytogenetic location: 7q21.3.
Variant type: single nucleotide variant.
Coding change: c.113A>G on transcript NM_001673.5 (MANE Select); coding-DNA position 113, A replaced by G.
Protein change: p.Asn38Ser; replaces asparagine 38 with serine.
Molecular consequence: missense variant. On other transcripts: non-coding transcript variant (1), intron variant (2).
Genome position (GRCh38, 1-based): chr7:97,869,044, T>C on the plus strand (A>G on the coding strand, the complement: ASNS is on the minus strand). VCF-style: chr7-97869044-T-C. GRCh37 (hg19) VCF-style: chr7-97498356-T-C.
Other names: c.50A>G, p.Asn17Ser (NM_001178075.2); c.113A>G, p.Asn38Ser (NM_001352496.2, NM_133436.3, NM_183356.4); c.-1+3307A>G (NM_001178076.2); c.-1+2997A>G (NM_001178077.1); short protein forms N17S, N38S.
Identifiers: ClinVar variation 1707959 (VCV001707959.4), dbSNP rs571231860, ClinGen allele CA4354844.

ClinVar aggregate classification (germline): Uncertain significance. Review status: criteria provided, multiple submitters, no conflicts (2 of 4 stars). 2 submissions from 2 submitters: Uncertain significance (2). Last evaluated 2022-05-07.

Allele frequency attached by ClinVar (database versions not stated): TOPMed below 0.00001; gnomAD exomes 0.00002; ExAC 0.00003; gnomAD 0.00003; 1000 Genomes Project 30x 0.00031; 1000 Genomes Project 0.00040.
gnomAD v4.1: 40 of 1,614,228 alleles (0.0025%); highest among the groups gnomAD compares: East Asian, 0.0045%; no homozygotes.

Submissions (2):

Labcorp Genetics (formerly Invitae), Labcorp
Classification: Uncertain significance. Last evaluated: 2022-05-07. Review status: criteria provided, single submitter. Criteria: Invitae Variant Classification Sherloc (09022015). Collection method: clinical testing. Allele origin: germline.
Comment: This sequence change replaces asparagine, which is neutral and polar, with serine, which is neutral and polar, at codon 38 of the ASNS protein (p.Asn38Ser). The frequency data for this variant in the population databases is considered unreliable, as metrics indicate poor data quality at this position in the gnomAD database. This variant has not been reported in the literature in individuals affected with ASNS-related conditions. Advanced modeling of protein sequence and biophysical properties (such as structural, functional, and spatial information, amino acid conservation, physicochemical variation, residue mobility, and thermodynamic stability) performed at Invitae indicates that this missense variant is not expected to disrupt ASNS protein function. In summary, the available evidence is currently insufficient to determine the role of this variant in disease. Therefore, it has been classified as a Variant of Uncertain Significance.

GeneDx
Classification: Uncertain significance. Last evaluated: 2022-03-28. Review status: criteria provided, single submitter. Criteria: GeneDx Variant Classification Process June 2021. Collection method: clinical testing. Allele origin: germline. Affected: yes.
Comment: Not observed at significant frequency in large population cohorts (gnomAD); In silico analysis supports that this missense variant does not alter protein structure/function; Has not been previously published as pathogenic or benign to our knowledge